The following is an entry in ClinVar:

ClinVar aggregate classification (germline): Uncertain significance (1 of 4 stars; one submission).

Conditions:
Inborn genetic diseases. Identifiers: MedGen C0950123, MeSH D030342.

Submission:

Ambry Genetics
Classification: Uncertain significance for Inborn genetic diseases. Last evaluated: 2025-03-24. Review status: criteria provided, single submitter. Criteria: Ambry Variant Classification Scheme 2023. Collection method: clinical testing. Allele origin: germline.
Comment: The p.T620P variant (also known as c.1858A>C), located in coding exon 21 of the FANCA gene, results from an A to C substitution at nucleotide position 1858. The threonine at codon 620 is replaced by proline, an amino acid with highly similar properties. This amino acid position is conserved. In addition, this alteration is predicted to be tolerated by in silico analysis. Based on the available evidence, the clinical significance of this variant remains unclear.

NM_000135.4(FANCA):c.1858A>C (p.Thr620Pro)

Gene: FANCA (FA complementation group A; minus strand). Cytogenetic location: 16q24.3.
Variant type: single nucleotide variant.
Coding change: c.1858A>C on transcript NM_000135.4 (MANE Select); coding-DNA position 1858, A replaced by C.
Protein change: p.Thr620Pro; replaces threonine 620 with proline.
Molecular consequence: missense variant.
Genome position (GRCh38, 1-based): chr16:89,775,784, T>G on the plus strand (A>C on the coding strand, the complement: FANCA is on the minus strand). VCF-style: chr16-89775784-T-G. GRCh37 (hg19) VCF-style: chr16-89842192-T-G.
Other names: c.1858A>C, p.Thr620Pro (NM_001286167.3); short protein forms T620P.
Identifiers: ClinVar variation 4022104 (VCV004022104.1).